The following is an entry in ClinVar:

ClinVar aggregate classification (germline): Pathogenic. Review status: criteria provided, multiple submitters, no conflicts (2 of 4 stars). 4 submissions from 4 submitters: Pathogenic (4). Last evaluated 2025-03-09.

Conditions:
Hereditary cancer-predisposing syndrome. Also called: Tumor predisposition; Neoplastic Syndromes, Hereditary; Hereditary neoplastic syndrome; Hereditary Cancer Syndrome. Identifiers: Orphanet 140162, MedGen C0027672, MeSH D009386, MONDO:0015356.
Birt-Hogg-Dube syndrome. Also called: Birt Hogg Dubé syndrome. Identifiers: Orphanet 122, MedGen C0346010, MONDO:0800444.

Allele frequency attached by ClinVar (database versions not stated): gnomAD exomes below 0.00001.

Submissions (4):

GeneDx
Classification: Pathogenic. Last evaluated: 2025-03-09. Review status: criteria provided, single submitter. Criteria: GeneDx Variant Classification Process June 2021. Collection method: clinical testing. Allele origin: germline. Affected: yes.
Comment: Frameshift variant predicted to result in protein truncation or nonsense mediated decay in a gene for which loss of function is a known mechanism of disease; Not observed at significant frequency in large population cohorts (gnomAD); Has not been previously published as pathogenic or benign to our knowledge

Myriad Genetics, Inc.
Classification: Pathogenic for Birt-Hogg-Dube syndrome 1. Last evaluated: 2023-07-06. Review status: criteria provided, single submitter. Criteria: Myriad Autosomal Dominant, Autosomal Recessive and X-Linked Classification Criteria (2023). Collection method: clinical testing. Allele origin: unknown.
Comment: This variant is considered pathogenic. This variant creates a frameshift predicted to result in premature protein truncation.

Ambry Genetics
Classification: Pathogenic for Hereditary cancer-predisposing syndrome. Last evaluated: 2022-10-24. Review status: criteria provided, single submitter. Criteria: Ambry Variant Classification Scheme 2023. Collection method: clinical testing. Allele origin: germline.
Comment: The c.708delC pathogenic mutation, located in coding exon 4 of the FLCN gene, results from a deletion of one nucleotide at nucleotide position 708, causing a translational frameshift with a predicted alternate stop codon (p.N236Kfs*6). This alteration is expected to result in loss of function by premature protein truncation or nonsense-mediated mRNA decay. As such, this alteration is interpreted as a disease-causing mutation.

Labcorp Genetics (formerly Invitae), Labcorp
Classification: Pathogenic for Birt-Hogg-Dube syndrome. Last evaluated: 2021-06-22. Review status: criteria provided, single submitter. Criteria: Invitae Variant Classification Sherloc (09022015). Collection method: clinical testing. Allele origin: germline.
Comment: For these reasons, this variant has been classified as Pathogenic. This variant has not been reported in the literature in individuals with FLCN-related conditions. ClinVar contains an entry for this variant (Variation ID: 265153). This variant is not present in population databases (ExAC no frequency). This sequence change creates a premature translational stop signal (p.Asn236Lysfs*6) in the FLCN gene. It is expected to result in an absent or disrupted protein product. Loss-of-function variants in FLCN are known to be pathogenic (PMID: 15852235).

Literature cited by the submitters: PubMed 15852235 (cited by Labcorp Genetics (formerly Invitae), Labcorp).

NM_144997.7(FLCN):c.708del (p.Asn236fs)

Gene: FLCN (folliculin; minus strand). Cytogenetic location: 17p11.2.
Variant type: Deletion.
Coding change: c.708del on transcript NM_144997.7 (MANE Select); coding-DNA position 708, one base deleted (C; older notation c.708delC).
Protein change: p.Asn236fs; shifts the reading frame from asparagine 236.
Molecular consequence: frameshift variant.
Genome position (GRCh38, 1-based): chr17:17,222,572, G deleted on the plus strand (C on the coding strand, the reverse complement: FLCN is on the minus strand). VCF-style (leftmost placement, unchanged base first): chr17-17222571-CG-C. GRCh37 (hg19) VCF-style: chr17-17125885-CG-C.
Other names: c.708del (LRG_325t1); c.708delC (NM_144997.5); c.762del, p.Asn254fs (NM_001353229.2); c.708del, p.Asn236fs (NM_001353230.2, NM_001353231.2, NM_144606.7); short protein forms N236fs, N254fs.
Identifiers: ClinVar variation 265153 (VCV000265153.12), dbSNP rs886039369, ClinGen allele CA10588641.